The following is an entry in ClinVar:

ClinVar aggregate classification (germline): Likely benign. Review status: criteria provided, multiple submitters, no conflicts (2 of 4 stars). 2 submissions from 2 submitters: Likely benign (2). Last evaluated 2024-10-01.

Conditions:
Inborn genetic diseases. Identifiers: MedGen C0950123, MeSH D030342.

Allele frequency attached by ClinVar (database versions not stated): gnomAD 0.00001; ExAC 0.00010.
gnomAD v4.1: 40 of 1,205,699 alleles (0.0033%); highest among the groups gnomAD compares: South Asian, 0.069%; 1 homozygote.

Submissions (2):

CeGaT Center for Human Genetics Tuebingen
Classification: Likely benign. Last evaluated: 2024-10-01. Review status: criteria provided, single submitter. Criteria: CeGaT Center For Human Genetics Tuebingen Variant Classification Criteria Version 2. Collection method: clinical testing. Allele origin: germline. Affected: yes. Observed: 1 variant allele.
Comment: FRMPD4: BS2

Ambry Genetics
Classification: Likely benign for Inborn genetic diseases. Last evaluated: 2023-06-16. Review status: criteria provided, single submitter. Criteria: Ambry Variant Classification Scheme 2023. Collection method: clinical testing. Allele origin: germline.

NM_001368397.1(FRMPD4):c.2784G>T (p.Gln928His)

Gene: FRMPD4 (FERM and PDZ domain containing 4; plus strand). Cytogenetic location: Xp22.2.
Variant type: single nucleotide variant.
Coding change: c.2784G>T on transcript NM_001368397.1 (MANE Select); coding-DNA position 2784, G replaced by T.
Protein change: p.Gln928His; replaces glutamine 928 with histidine.
Molecular consequence: missense variant.
Genome position (GRCh38, 1-based): chrX:12,717,610, G>T. VCF-style: chrX-12717610-G-T. GRCh37 (hg19) VCF-style: chrX-12735729-G-T.
Other names: c.2895G>T, p.Gln965His (NM_001368395.3, NM_001368398.3); c.2790G>T, p.Gln930His (NM_001368396.3); c.2775G>T, p.Gln925His (NM_001368399.3); c.2664G>T, p.Gln888His (NM_001368400.3); c.2760G>T, p.Gln920His (NM_001368401.1, NM_001368402.3); c.2784G>T, p.Gln928His (NM_014728.3); short protein forms Q888H, Q965H, Q920H, Q930H, Q925H, Q928H.
Identifiers: ClinVar variation 2601119 (VCV002601119.16), dbSNP rs777248043, ClinGen allele CA10349512.